The following is an entry in ClinVar:

NM_182914.3(SYNE2):c.15749G>A (p.Arg5250Gln)

Gene: SYNE2 (spectrin repeat containing nuclear envelope protein 2; plus strand). Cytogenetic location: 14q23.2.
Variant type: single nucleotide variant.
Coding change: c.15749G>A on transcript NM_182914.3 (MANE Select); coding-DNA position 15749, G replaced by A.
Protein change: p.Arg5250Gln; replaces arginine 5250 with glutamine.
Molecular consequence: missense variant.
Genome position (GRCh38, 1-based): chr14:64,152,673, G>A. VCF-style: chr14-64152673-G-A. GRCh37 (hg19) VCF-style: chr14-64619391-G-A.
Other names: c.15749G>A, p.Arg5250Gln (NM_015180.6); short protein forms R5250Q.
Identifiers: ClinVar variation 664696 (VCV000664696.9), dbSNP rs201962497, ClinGen allele CA7223174.

ClinVar aggregate classification (germline): Uncertain significance. Review status: criteria provided, multiple submitters, no conflicts (2 of 4 stars). 2 submissions from 2 submitters: Uncertain significance (2). Last evaluated 2025-04-03.

Conditions:
Emery-Dreifuss muscular dystrophy 5, autosomal dominant (EDMD5). Also called: EMERY-DREIFUSS MUSCULAR DYSTROPHY 5. Identifiers: Orphanet 261, MedGen C2751805, MONDO:0013072, OMIM 612999.

Allele frequency attached by ClinVar (database versions not stated): ExAC 0.00001; gnomAD exomes 0.00002; gnomAD 0.00003; TOPMed 0.00003; 1000 Genomes Project 0.00020; 1000 Genomes Project 30x 0.00031.
gnomAD v4.1: 27 of 1,614,060 alleles (0.0017%); highest among the groups gnomAD compares: African/African-American, 0.0067%; no homozygotes.

Submissions (2):

Ambry Genetics
Classification: Uncertain significance. Last evaluated: 2025-04-03. Review status: criteria provided, single submitter. Criteria: Ambry Variant Classification Scheme 2023. Collection method: clinical testing. Allele origin: germline.

Labcorp Genetics (formerly Invitae), Labcorp
Classification: Uncertain significance for Emery-Dreifuss muscular dystrophy 5, autosomal dominant. Last evaluated: 2024-05-03. Review status: criteria provided, single submitter. Criteria: Invitae Variant Classification Sherloc (09022015). Collection method: clinical testing. Allele origin: germline.
Comment: This sequence change replaces arginine, which is basic and polar, with glutamine, which is neutral and polar, at codon 5250 of the SYNE2 protein (p.Arg5250Gln). This variant is present in population databases (rs201962497, gnomAD 0.01%). This variant has not been reported in the literature in individuals affected with SYNE2-related conditions. ClinVar contains an entry for this variant (Variation ID: 664696). An algorithm developed to predict the effect of missense changes on protein structure and function (PolyPhen-2) suggests that this variant is likely to be tolerated. In summary, the available evidence is currently insufficient to determine the role of this variant in disease. Therefore, it has been classified as a Variant of Uncertain Significance.